The following is an entry in ClinVar:

ClinVar aggregate classification (germline): Conflicting classifications of pathogenicity. Review status: criteria provided, conflicting classifications (1 of 4 stars). 7 submissions from 7 submitters: Likely pathogenic (1); Uncertain significance (5). 1 of the submissions does not count toward it. Last evaluated 2026-09-17.

Conditions:
WFS1-related disorder. Identifiers: MedGen CN379391, MONDO:0700293.
Optic atrophy. Identifiers: MedGen C0029124, MONDO:0003608, HP:0000648.
Wolfram-like syndrome. Also called: HEARING LOSS, PROGRESSIVE, WITH OPTIC ATROPHY AND/OR IMPAIRED GLUCOSE REGULATION. Identifiers: Orphanet 411590, MedGen C3280358, MONDO:0013673, OMIM 614296.
Cataract 41 (CTRCT41). Also called: CATARACT 41, CONGENITAL NUCLEAR TYPE. Identifiers: Orphanet 91492, Orphanet 98991, Orphanet 98992, Orphanet 98995, MedGen C3805412, MONDO:0007287, OMIM 116400.
Type 2 diabetes mellitus. Also called: Type II diabetes mellitus. Identifiers: MedGen C0011860, MeSH D003924, MONDO:0005148, OMIM 125853, HP:0005978.
Autosomal dominant nonsyndromic hearing loss 6 (LFSNHL). Also called: Autosomal dominant nonsyndromic deafness 6; DEAFNESS, AUTOSOMAL DOMINANT 14; DEAFNESS, AUTOSOMAL DOMINANT 38; DEAFNESS, AUTOSOMAL DOMINANT 6. Identifiers: Orphanet 90635, MedGen C1833021, MONDO:0010963, OMIM 600965.
Wolfram syndrome 1 (WFS1). Identifiers: Orphanet 3463, MedGen C4551693, MONDO:0009101, OMIM 222300.

Allele frequency attached by ClinVar (database versions not stated): ExAC 0.00002; gnomAD exomes 0.00002; TOPMed 0.00003.
gnomAD v4.1: 44 of 1,613,106 alleles (0.0027%); highest among the groups gnomAD compares: Admixed American, 0.0083%; no homozygotes.

Submissions (7):

PreventionGenetics, part of Exact Sciences
Classification: Uncertain significance for WFS1-related condition. Last evaluated: 2026-09-17. Review status: criteria provided, single submitter. Criteria: ACMG Guidelines, 2015. Collection method: clinical testing. Allele origin: germline.
Comment: The WFS1 c.2576G>A variant is predicted to result in the amino acid substitution p.Arg859Gln. This variant showed partial segregation with low frequency sensorineural hearing loss in a single family in which sequencing of only the WFS1 gene was performed, being present in the heterozygous state in six affected individuals and absent in one affected and one unaffected individual (Hildebrand et al. 2008. PubMed ID: 18688868). At PreventionGenetics this variant has been reported in the heterozygous state in four patients undergoing genetic testing for hearing loss, although one of these patients was positive in GJB2 (internal data). This variant is reported in 0.0033% of alleles in individuals of South Asian descent in gnomAD, including 44 heterozygotes in the larger gnomAD v4.1.1 database. In ClinVar this variant is reported with conflicting interpretations of likely pathogenic (1) and uncertain significance (5) by other clinical labs (Variation ID: 4529). An alternate variant at the same amino acid position (p.Arg859Pro) has been reported to segregate completely with low frequency sensorineural hearing loss in a large family (Gurtler et al. 2005. PubMed ID: 15912360). Although we suspect that this variant may be pathogenic, at this time, the clinical significance of this variant is uncertain due to the absence of conclusive functional and genetic evidence.

Labcorp Genetics (formerly Invitae), Labcorp
Classification: Uncertain significance. Last evaluated: 2026-02-01. Review status: criteria provided, single submitter. Criteria: Invitae Variant Classification Sherloc (09022015). Collection method: clinical testing. Allele origin: germline.
Comment: This sequence change replaces arginine, which is basic and polar, with glutamine, which is neutral and polar, at codon 859 of the WFS1 protein (p.Arg859Gln). This variant is present in population databases (rs121912618, gnomAD 0.004%). This missense change has been observed in individual(s) with autosomal dominant nonsyndromic deafness (PMID: 18688868). It has also been observed to segregate with disease in related individuals. ClinVar contains an entry for this variant (Variation ID: 4529). Invitae Evidence Modeling of protein sequence and biophysical properties (such as structural, functional, and spatial information, amino acid conservation, physicochemical variation, residue mobility, and thermodynamic stability) has been performed for this missense variant. However, the output from this modeling did not meet the statistical confidence thresholds required to predict the impact of this variant on WFS1 protein function. This variant disrupts the p.Arg859 amino acid residue in WFS1. Other variant(s) that disrupt this residue have been determined to be pathogenic (PMID: 15912360). This suggests that this residue is clinically significant, and that variants that disrupt this residue are likely to be disease-causing. In summary, the available evidence is currently insufficient to determine the role of this variant in disease. Therefore, it has been classified as a Variant of Uncertain Significance.

GeneDx
Classification: Likely pathogenic. Last evaluated: 2025-07-23. Review status: criteria provided, single submitter. Criteria: GeneDx Variant Classification Process June 2021. Collection method: clinical testing. Allele origin: germline. Affected: yes.
Comment: In silico analysis suggests that this missense variant does not alter protein structure/function; This variant is associated with the following publications: (PMID: 18688868)

Fulgent Genetics
Classification: Uncertain significance for Cataract 41; Type 2 diabetes mellitus; Wolfram syndrome 1; Autosomal dominant nonsyndromic hearing loss 6; Wolfram-like syndrome. Last evaluated: 2024-01-04. Review status: criteria provided, single submitter. Criteria: ACMG Guidelines, 2015. Collection method: clinical testing. Allele origin: germline.

Institute of Human Genetics, Univ. Regensburg, Univ. Regensburg
Classification: Uncertain significance for Optic atrophy. Last evaluated: 2021-01-01. Review status: criteria provided, single submitter. Criteria: ACMG Guidelines, 2015. Collection method: clinical testing. Allele origin: germline. Affected: yes.

Illumina Laboratory Services, Illumina
Classification: Uncertain significance for Autosomal dominant nonsyndromic hearing loss 6. Last evaluated: 2017-04-28. Review status: criteria provided, single submitter. Criteria: ICSL Variant Classification Criteria 13 December 2019. Collection method: clinical testing. Allele origin: germline.

OMIM
Classification: Pathogenic for DEAFNESS, AUTOSOMAL DOMINANT 6. Last evaluated: 2008-09-01. Review status: no assertion criteria provided. Collection method: literature only. Allele origin: germline. Not counted in ClinVar's aggregate classification.

Literature cited by the submitters: PubMed 18688868 (cited by 3 submitters); PubMed 15912360 (cited by Labcorp Genetics (formerly Invitae), Labcorp).

NM_006005.3(WFS1):c.2576G>A (p.Arg859Gln)

Gene: WFS1 (wolframin ER transmembrane glycoprotein; plus strand). Cytogenetic location: 4p16.1.
Variant type: single nucleotide variant.
Coding change: c.2576G>A on transcript NM_006005.3 (MANE Select); coding-DNA position 2576, G replaced by A.
Protein change: p.Arg859Gln; replaces arginine 859 with glutamine.
Molecular consequence: missense variant.
Genome position (GRCh38, 1-based): chr4:6,302,371, G>A. VCF-style: chr4-6302371-G-A. GRCh37 (hg19) VCF-style: chr4-6304098-G-A.
Other names: c.2576G>A, p.Arg859Gln (NM_001145853.1); short protein forms R859Q.
Identifiers: ClinVar variation 4529 (VCV000004529.23), dbSNP rs121912618, ClinGen allele CA253207.